The following is an entry in ClinVar:

ClinVar aggregate classification (germline): Conflicting classifications of pathogenicity. Review status: criteria provided, conflicting classifications (1 of 4 stars). 4 submissions from 4 submitters: Uncertain significance (1); Likely benign (3). Last evaluated 2026-01-18.

Conditions:
TTC21B-related disorder. Also called: TTC21B-related condition; TTC21B-related disorders.
Nephronophthisis 12 (NPHP12). Identifiers: Orphanet 655, MedGen C3151186, MONDO:0013442, OMIM 613820.
Jeune thoracic dystrophy. Also called: Short-rib thoracic dysplasia; Jeune syndrome; Infantile thoracic dystrophy; Thoracic pelvic phalangeal dystrophy; Jeune's syndrome; Chondroectodermal dysplasia-like syndrome. Identifiers: Orphanet 474, MedGen C0265275, MONDO:0018770.
Nephronophthisis. Also called: Juvenile Nephronophthisis. Identifiers: Orphanet 655, MedGen C0687120, MONDO:0019005, HP:0000090.

Allele frequency attached by ClinVar (database versions not stated): TOPMed 0.00004; gnomAD 0.00005; ExAC 0.00007; 1000 Genomes Project 30x 0.00016; 1000 Genomes Project 0.00020.
gnomAD v4.1: 132 of 1,610,698 alleles (0.0082%); highest among the groups gnomAD compares: Non-Finnish European, 0.01%; no homozygotes.

Submissions (4):

Labcorp Genetics (formerly Invitae), Labcorp
Classification: Likely benign for Jeune thoracic dystrophy; Nephronophthisis. Last evaluated: 2026-01-18. Review status: criteria provided, single submitter. Criteria: Invitae Variant Classification Sherloc (09022015). Collection method: clinical testing. Allele origin: germline.

PreventionGenetics, part of Exact Sciences
Classification: Likely benign for TTC21B-related condition. Last evaluated: 2025-03-22. Review status: criteria provided, single submitter. Criteria: ACMG Guidelines, 2015. Collection method: clinical testing. Allele origin: germline.
Comment: This variant is classified as likely benign based on ACMG/AMP sequence variant interpretation guidelines (Richards et al. 2015 PMID: 25741868, with internal and published modifications).

Blueprint Genetics
Classification: Likely benign. Last evaluated: 2022-04-20. Review status: criteria provided, single submitter. Criteria: ACMG Guidelines, 2015. Collection method: clinical testing. Allele origin: germline.

Baylor Genetics
Classification: Uncertain significance for Nephronophthisis 12. Last evaluated: 2018-06-21. Review status: criteria provided, single submitter. Criteria: ACMG Guidelines, 2015. Collection method: clinical testing. Allele origin: unknown. Affected: yes.
Comment: This variant was determined to be of uncertain significance according to ACMG Guidelines, 2015 [PMID:25741868].

NM_024753.5(TTC21B):c.2550G>A (p.Ala850=)

Gene: TTC21B (tetratricopeptide repeat domain 21B; minus strand). Cytogenetic location: 2q24.3.
Variant type: single nucleotide variant.
Coding change: c.2550G>A on transcript NM_024753.5 (MANE Select); coding-DNA position 2550, G replaced by A.
Protein change: p.Ala850=; no amino-acid change (alanine 850 retained).
Molecular consequence: synonymous variant.
Genome position (GRCh38, 1-based): chr2:165,907,696, C>T on the plus strand (G>A on the coding strand, the complement: TTC21B is on the minus strand). VCF-style: chr2-165907696-C-T. GRCh37 (hg19) VCF-style: chr2-166764206-C-T.
Identifiers: ClinVar variation 1034075 (VCV001034075.11), dbSNP rs144151561, ClinGen allele CA1941804.
Genomic context (GRCh38, chr2:165,907,696, plus strand): 5'-ATCTCCTACCTCATGACCACACTCACAGACAAATGTGTTTACCTGTTGTAATGCAGTGAT[C>T]GCATCACCAAGTTTTTCCATTTTACTATAAACTTTTGCTAGAAGAACTTGACAACGTCCA-3'
Protein context (NP_079029.3, residues 840-860): VYSKMEKLGD[Ala850=]ITALQQAREL